The following is an entry in ClinVar:

NM_004646.4(NPHS1):c.1593A>T (p.Gly531=)

Gene: NPHS1 (NPHS1 adhesion molecule, nephrin; minus strand). Cytogenetic location: 19q13.12.
Variant type: single nucleotide variant.
Coding change: c.1593A>T on transcript NM_004646.4 (MANE Select); coding-DNA position 1593, A replaced by T.
Protein change: p.Gly531=; no amino-acid change (glycine 531 retained).
Molecular consequence: synonymous variant.
Genome position (GRCh38, 1-based): chr19:35,846,042, T>A on the plus strand (A>T on the coding strand, the complement: NPHS1 is on the minus strand). VCF-style: chr19-35846042-T-A. GRCh37 (hg19) VCF-style: chr19-36336944-T-A.
Identifiers: ClinVar variation 3046857 (VCV003046857.2), dbSNP rs1243404045, ClinGen allele CA507082940.

ClinVar aggregate classification (germline): Likely benign (0 of 4 stars; one submission).

Conditions:
NPHS1-related disorder. Also called: NPHS1-related condition.

Allele frequency attached by ClinVar (database versions not stated): gnomAD 0.00001; gnomAD exomes 0.00001; TOPMed 0.00001.
gnomAD v4.1: 15 of 1,593,912 alleles (0.00094%); highest among the groups gnomAD compares: Non-Finnish European, 0.0012%; no homozygotes.

Submission:

PreventionGenetics, part of Exact Sciences
Classification: Likely benign for NPHS1-related condition. Last evaluated: 2019-03-15. Review status: no assertion criteria provided. Collection method: clinical testing. Allele origin: germline.
Comment: This variant is classified as likely benign based on ACMG/AMP sequence variant interpretation guidelines (Richards et al. 2015 PMID: 25741868, with internal and published modifications).